The following is an entry in ClinVar:

ClinVar aggregate classification (germline): Uncertain significance (1 of 4 stars; one submission).

Conditions:
TLN1-related disorder. Also called: TLN1-related condition.

Submission:

PreventionGenetics, part of Exact Sciences
Classification: Uncertain significance for TLN1-related condition. Last evaluated: 2025-04-03. Review status: criteria provided, single submitter. Criteria: ACMG Guidelines, 2015. Collection method: clinical testing. Allele origin: germline.
Comment: The TLN1 c.1034A>G variant is predicted to result in the amino acid substitution p.Lys345Arg. To our knowledge, this variant has not been reported in the literature or in a large population database (gnomAD), indicating this variant is rare. At this time, the clinical significance of this variant is uncertain due to the absence of conclusive functional and genetic evidence.

NM_006289.4(TLN1):c.1034A>G (p.Lys345Arg)

Gene: TLN1 (talin 1; minus strand). Cytogenetic location: 9p13.3.
Variant type: single nucleotide variant.
Coding change: c.1034A>G on transcript NM_006289.4 (MANE Select); coding-DNA position 1034, A replaced by G.
Protein change: p.Lys345Arg; replaces lysine 345 with arginine.
Molecular consequence: missense variant.
Genome position (GRCh38, 1-based): chr9:35,721,718, T>C on the plus strand (A>G on the coding strand, the complement: TLN1 is on the minus strand). VCF-style: chr9-35721718-T-C. GRCh37 (hg19) VCF-style: chr9-35721715-T-C.
Other names: short protein forms K345R.
Identifiers: ClinVar variation 4984352 (VCV004984352.1).